The following is an entry in ClinVar:

ClinVar aggregate classification (germline): Uncertain significance (1 of 4 stars; one submission).

Conditions:
DOCK2 deficiency. Also called: Immunodeficiency 40. Identifiers: Orphanet 447737, MedGen C4225328, MONDO:0014637, OMIM 616433.

Allele frequency attached by ClinVar (database versions not stated): gnomAD 0.00003; ExAC 0.00005; ESP Exome Variant Server 0.00008; gnomAD exomes 0.00009.

Submission:

Labcorp Genetics (formerly Invitae), Labcorp
Classification: Uncertain significance for DOCK2 deficiency. Last evaluated: 2022-09-29. Review status: criteria provided, single submitter. Criteria: Invitae Variant Classification Sherloc (09022015). Collection method: clinical testing. Allele origin: germline.
Comment: This sequence change falls in intron 20 of the DOCK2 gene. It does not directly change the encoded amino acid sequence of the DOCK2 protein. It affects a nucleotide within the consensus splice site. This variant is present in population databases (rs770476805, gnomAD 0.01%). This variant has not been reported in the literature in individuals affected with DOCK2-related conditions. Variants that disrupt the consensus splice site are a relatively common cause of aberrant splicing (PMID: 17576681, 9536098). Algorithms developed to predict the effect of sequence changes on RNA splicing suggest that this variant is not likely to affect RNA splicing. In summary, the available evidence is currently insufficient to determine the role of this variant in disease. Therefore, it has been classified as a Variant of Uncertain Significance.

Literature cited by the submitters: PubMed 17576681; PubMed 9536098.

NM_004946.3(DOCK2):c.2031+3_2031+4del

Gene: DOCK2 (dedicator of cytokinesis 2; plus strand). Cytogenetic location: 5q35.1.
Variant type: Deletion.
Coding change: c.2031+3_2031+4del on transcript NM_004946.3 (MANE Select); bases 3 to 4 of the intron after coding-DNA position 2031, 2 bases deleted (AA; older notation c.2031+3_2031+4delAA).
Molecular consequence: intron variant.
Genome position (GRCh38, 1-based): chr5:169,716,305-169,716,306, AA deleted. VCF-style (leftmost placement, unchanged base first): chr5-169716304-TAA-T. GRCh37 (hg19) VCF-style: chr5-169143308-TAA-T.
Identifiers: ClinVar variation 2076072 (VCV002076072.1), dbSNP rs770476805, ClinGen allele CA3553643.